The following is an entry in ClinVar:

NM_001142800.2(EYS):c.4606C>T (p.Gln1536Ter)

Gene: EYS (EGF-like photoreceptor maintenance factor; minus strand). Cytogenetic location: 6q12.
Variant type: single nucleotide variant.
Coding change: c.4606C>T on transcript NM_001142800.2 (MANE Select); coding-DNA position 4606, C replaced by T.
Protein change: p.Gln1536Ter; replaces glutamine 1536 with a stop codon.
Molecular consequence: nonsense.
Genome position (GRCh38, 1-based): chr6:64,591,261, G>A on the plus strand (C>T on the coding strand, the complement: EYS is on the minus strand). VCF-style: chr6-64591261-G-A. GRCh37 (hg19) VCF-style: chr6-65301154-G-A.
Other names: c.4606C>T, p.Gln1536Ter (NM_001292009.2); short protein forms Q1536*.
Identifiers: ClinVar variation 842140 (VCV000842140.7), dbSNP rs557152369, ClinGen allele CA364782949.
Genomic context (GRCh38, chr6:64,591,261, plus strand): 5'-ATGTTTGGCTTAATTCTCTTAAAGAATCAGCAGCCTGTGATTTGATGTTTGTGAGTCTCT[G>A]GTTGCTTGAAGCCTCAGTAATAGCCTGATATTCACTGGGATTGAAGGCTTTTGTACTGAA-3'

ClinVar aggregate classification (germline): Pathogenic (1 of 4 stars; one submission).

Submission:

Labcorp Genetics (formerly Invitae), Labcorp
Classification: Pathogenic. Last evaluated: 2022-06-17. Review status: criteria provided, single submitter. Criteria: Invitae Variant Classification Sherloc (09022015). Collection method: clinical testing. Allele origin: germline.
Comment: ClinVar contains an entry for this variant (Variation ID: 842140). For these reasons, this variant has been classified as Pathogenic. This variant has not been reported in the literature in individuals affected with EYS-related conditions. This variant is not present in population databases (gnomAD no frequency). This sequence change creates a premature translational stop signal (p.Gln1536*) in the EYS gene. It is expected to result in an absent or disrupted protein product. Loss-of-function variants in EYS are known to be pathogenic (PMID: 18836446, 20333770).

Literature cited by the submitters: PubMed 18836446; PubMed 20333770.